The following is an entry in ClinVar:

ClinVar aggregate classification (germline): Uncertain significance (1 of 4 stars; one submission).

Allele frequency attached by ClinVar (database versions not stated): gnomAD exomes below 0.00001; TOPMed below 0.00001.
gnomAD v4.1: 4 of 1,614,092 alleles (0.00025%); highest among the groups gnomAD compares: Non-Finnish European, 0.00034%; no homozygotes.

Submission:

Labcorp Genetics (formerly Invitae), Labcorp
Classification: Uncertain significance. Last evaluated: 2022-03-22. Review status: criteria provided, single submitter. Criteria: Invitae Variant Classification Sherloc (09022015). Collection method: clinical testing. Allele origin: germline.
Comment: This sequence change replaces alanine, which is neutral and non-polar, with aspartic acid, which is acidic and polar, at codon 318 of the POLR3A protein (p.Ala318Asp). This variant is not present in population databases (gnomAD no frequency). This variant has not been reported in the literature in individuals affected with POLR3A-related conditions. Algorithms developed to predict the effect of missense changes on protein structure and function are either unavailable or do not agree on the potential impact of this missense change (SIFT: "Deleterious"; PolyPhen-2: "Probably Damaging"; Align-GVGD: "Class C0"). In summary, the available evidence is currently insufficient to determine the role of this variant in disease. Therefore, it has been classified as a Variant of Uncertain Significance.

NM_007055.4(POLR3A):c.953C>A (p.Ala318Asp)

Gene: POLR3A (RNA polymerase III subunit A; minus strand). Cytogenetic location: 10q22.3.
Variant type: single nucleotide variant.
Coding change: c.953C>A on transcript NM_007055.4 (MANE Select); coding-DNA position 953, C replaced by A.
Protein change: p.Ala318Asp; replaces alanine 318 with aspartic acid.
Molecular consequence: missense variant.
Genome position (GRCh38, 1-based): chr10:78,021,955, G>T on the plus strand (C>A on the coding strand, the complement: POLR3A is on the minus strand). VCF-style: chr10-78021955-G-T. GRCh37 (hg19) VCF-style: chr10-79781713-G-T.
Other names: short protein forms A318D.
Identifiers: ClinVar variation 1431537 (VCV001431537.8), dbSNP rs1847584050, ClinGen allele CA377344836.
Genomic context (GRCh38, chr10:78,021,955, plus strand): 5'-GTCCACTTCTTGGGTGCCATGTTGAGGGGAATGCCCGAGAGCTCACTGTTAATGTAGAGG[G>T]CACACTGCAGCTGCAGGAAATCCCAGTCCTCCATGATCATCTGGGTCTTGGCTCCTGAGA-3'
Protein context (NP_008986.2, residues 308-328): EDWDFLQLQC[Ala318Asp]LYINSELSGI